The following is an entry in ClinVar:

NM_001330360.2(POLA1):c.2332G>A (p.Ala778Thr)

Gene: POLA1 (DNA polymerase alpha 1, catalytic subunit; plus strand). Cytogenetic location: Xp22.11.
Variant type: single nucleotide variant.
Coding change: c.2332G>A on transcript NM_001330360.2 (MANE Select); coding-DNA position 2332, G replaced by A.
Protein change: p.Ala778Thr; replaces alanine 778 with threonine.
Molecular consequence: missense variant. On other transcripts: non-coding transcript variant (2).
Genome position (GRCh38, 1-based): chrX:24,741,490, G>A. VCF-style: chrX-24741490-G-A. GRCh37 (hg19) VCF-style: chrX-24759607-G-A.
Other names: c.2257G>A, p.Ala753Thr (NM_001378303.1); c.2314G>A, p.Ala772Thr (NM_016937.4); short protein forms A753T, A772T, A778T.
Identifiers: ClinVar variation 3342729 (VCV003342729.4).
Genomic context (GRCh38, chrX:24,741,490, plus strand): 5'-ATTTTGCAGATCATGTGTGAGCTAAATGTTCTTCCATTAGCATTGCAGATCACTAACATC[G>A]CTGGGAACATTATGGTAAATTTAACTTAGAAAGGGGGAAAAAGCATTTCCTGTTGGATTC-3'
Protein context (NP_001317289.1, residues 768-788): LPLALQITNI[Ala778Thr]GNIMSRTLMG

ClinVar aggregate classification (germline): Uncertain significance. Review status: criteria provided, multiple submitters, no conflicts (2 of 4 stars). 2 submissions from 2 submitters: Uncertain significance (2). Last evaluated 2025-12-01.

gnomAD v4.1: 1 of 1,204,426 alleles (0.000083%); highest among the groups gnomAD compares: African/African-American, 0.0017%; no homozygotes.

Submissions (2):

GeneDx
Classification: Uncertain significance. Last evaluated: 2025-12-01. Review status: criteria provided, single submitter. Criteria: GeneDx Variant Classification Process June 2021. Collection method: clinical testing. Allele origin: germline.
Comment: Not observed at significant frequency in large population cohorts (gnomAD); In silico analysis supports that this missense variant has a deleterious effect on protein structure/function; Observed in hemizygous state in patients referred for genetic testing at GeneDx and not observed in hemizygous state in controls; Has not been previously reported as pathogenic or benign in association with a POLA1-related disorder to our knowledge; This variant is associated with the following publications: (PMID: 27182663, 29416919)

Labcorp Genetics (formerly Invitae), Labcorp
Classification: Uncertain significance. Last evaluated: 2025-01-15. Review status: criteria provided, single submitter. Criteria: Invitae Variant Classification Sherloc (09022015). Collection method: clinical testing. Allele origin: germline.
Comment: This sequence change replaces alanine, which is neutral and non-polar, with threonine, which is neutral and polar, at codon 772 of the POLA1 protein (p.Ala772Thr). This variant is not present in population databases (gnomAD no frequency). This variant has not been reported in the literature in individuals affected with POLA1-related conditions. Invitae Evidence Modeling of protein sequence and biophysical properties (such as structural, functional, and spatial information, amino acid conservation, physicochemical variation, residue mobility, and thermodynamic stability) indicates that this missense variant is not expected to disrupt POLA1 protein function with a negative predictive value of 80%. In summary, the available evidence is currently insufficient to determine the role of this variant in disease. Therefore, it has been classified as a Variant of Uncertain Significance.